The following is an entry in ClinVar:

ClinVar aggregate classification (germline): Uncertain significance (1 of 4 stars; one submission).

Conditions:
PLXNA3-related disorder. Also called: PLXNA3-related condition.

gnomAD v4.1: 4 of 1,209,132 alleles (0.00033%); highest among the groups gnomAD compares: African/African-American, 0.0052%; no homozygotes.

Submission:

PreventionGenetics, part of Exact Sciences
Classification: Uncertain significance for PLXNA3-related condition. Last evaluated: 2026-06-26. Review status: criteria provided, single submitter. Criteria: ACMG Guidelines, 2015. Collection method: clinical testing. Allele origin: germline.
Comment: The PLXNA3 c.2619C>T variant is not predicted to result in an amino acid change (p.=). To our knowledge, this variant has not been reported in the literature. This variant is reported in 0.0076% of alleles in individuals of African descent in gnomAD. At this time, the clinical significance of this variant is uncertain due to the absence of conclusive functional and genetic evidence.

NM_017514.5(PLXNA3):c.2619C>T (p.Gly873=)

Gene: PLXNA3 (plexin A3; plus strand). Cytogenetic location: Xq28.
Variant type: single nucleotide variant.
Coding change: c.2619C>T on transcript NM_017514.5 (MANE Select); coding-DNA position 2619, C replaced by T.
Protein change: p.Gly873=; no amino-acid change (glycine 873 retained).
Molecular consequence: synonymous variant.
Genome position (GRCh38, 1-based): chrX:154,466,021, C>T. VCF-style: chrX-154466021-C-T. GRCh37 (hg19) VCF-style: chrX-153694364-C-T.
Identifiers: ClinVar variation 4984843 (VCV004984843.1).